The following is an entry in ClinVar:

NM_000057.4(BLM):c.353T>C (p.Val118Ala)

Gene: BLM (BLM RecQ like helicase; plus strand). Cytogenetic location: 15q26.1.
Variant type: single nucleotide variant.
Coding change: c.353T>C on transcript NM_000057.4 (MANE Select); coding-DNA position 353, T replaced by C.
Protein change: p.Val118Ala; replaces valine 118 with alanine.
Molecular consequence: missense variant. On other transcripts: 5 prime UTR variant (1).
Genome position (GRCh38, 1-based): chr15:90,749,621, T>C. VCF-style: chr15-90749621-T-C. GRCh37 (hg19) VCF-style: chr15-91292851-T-C.
Other names: c.353T>C (NM_000057.2); c.353T>C, p.Val118Ala (NM_001287246.2, NM_001287247.2); c.-939T>C (NM_001287248.2); short protein forms V118A.
Identifiers: ClinVar variation 644853 (VCV000644853.12), dbSNP rs768933887, ClinGen allele CA7738281.

ClinVar aggregate classification (germline): Conflicting classifications of pathogenicity. Review status: criteria provided, conflicting classifications (1 of 4 stars). 4 submissions from 4 submitters: Uncertain significance (2); Likely benign (1). 1 of the submissions does not count toward it. Last evaluated 2025-11-09.

Conditions:
Hereditary cancer-predisposing syndrome. Also called: Hereditary Cancer Syndrome; Tumor predisposition; Hereditary neoplastic syndrome; Neoplastic Syndromes, Hereditary. Identifiers: Orphanet 140162, MedGen C0027672, MeSH D009386, MONDO:0015356.
Bloom syndrome (BLM). Also called: Bloom-Torre-Machacek syndrome. Identifiers: Orphanet 125, MedGen C0005859, MONDO:0008876, OMIM 210900.

Allele frequency attached by ClinVar (database versions not stated): TOPMed below 0.00001; gnomAD 0.00001; ExAC 0.00002; gnomAD exomes 0.00002.
gnomAD v4.1: 6 of 1,614,034 alleles (0.00037%); highest among the groups gnomAD compares: Admixed American, 0.01%; no homozygotes.

Submissions (4):

Labcorp Genetics (formerly Invitae), Labcorp
Classification: Uncertain significance for Bloom syndrome. Last evaluated: 2025-11-09. Review status: criteria provided, single submitter. Criteria: Invitae Variant Classification Sherloc (09022015). Collection method: clinical testing. Allele origin: germline.
Comment: This sequence change replaces valine, which is neutral and non-polar, with alanine, which is neutral and non-polar, at codon 118 of the BLM protein (p.Val118Ala). This variant is present in population databases (rs768933887, gnomAD 0.02%). This variant has not been reported in the literature in individuals affected with BLM-related conditions. ClinVar contains an entry for this variant (Variation ID: 644853). An algorithm developed to predict the effect of missense changes on protein structure and function outputs the following: PolyPhen-2: "Benign". The alanine amino acid residue is found in multiple mammalian species, which suggests that this missense change does not adversely affect protein function. In summary, the available evidence is currently insufficient to determine the role of this variant in disease. Therefore, it has been classified as a Variant of Uncertain Significance.

Quest Diagnostics Nichols Institute San Juan Capistrano
Classification: Uncertain significance. Last evaluated: 2024-10-25. Review status: criteria provided, single submitter. Criteria: Quest Diagnostics criteria. Collection method: clinical testing. Allele origin: unknown.
Comment: The BLM c.353T>C (p.Val118Ala) variant has not been reported in individuals with BLM-related conditions in the published literature. The frequency of this variant in the general population, 0.00017 (6/35436 chromosomes (Genome Aggregation Database)), is uninformative in the assessment of its pathogenicity. Analysis of this variant using bioinformatics tools for the prediction of the effect of amino acid changes on protein structure and function yielded predictions that this variant is benign. Based on the available information, we are unable to determine the clinical significance of this variant.

Ambry Genetics
Classification: Likely benign for Hereditary cancer-predisposing syndrome. Last evaluated: 2024-03-14. Review status: criteria provided, single submitter. Criteria: Ambry Variant Classification Scheme 2023. Collection method: clinical testing. Allele origin: germline.

Natera, Inc.
Classification: Uncertain significance for Bloom syndrome. Last evaluated: 2020-09-16. Review status: no assertion criteria provided. Collection method: clinical testing. Allele origin: germline. Not counted in ClinVar's aggregate classification.